The following is an entry in ClinVar:

Single allele

Genes: ABCB9 (ATP binding cassette subfamily B member 9; minus strand), ARL6IP4 (ARF like GTPase 6 interacting protein 4; plus strand), B3GNT4 (UDP-GlcNAc:betaGal beta-1,3-N-acetylglucosaminyltransferase 4; plus strand), BCL7A (BAF chromatin remodeling complex subunit BCL7A; plus strand), CCDC62 (coiled-coil domain containing 62; plus strand) and 140 more. Cytogenetic location: 12q24.31.
Variant type: copy number loss.
Identifiers: ClinVar variation 4886788 (VCV004886788.1).

ClinVar aggregate classification (germline): Pathogenic (0 of 4 stars; one submission).

Submission:

Diagnostics Centre, Carl Von Ossietzky University Oldenburg
Classification: Pathogenic. Last evaluated: 2025-07-07. Review status: no assertion criteria provided. Collection method: clinical testing. Allele origin: germline. Affected: yes. Observed: 1 variant allele.
Comment: The identified alteration is an approximately 1.4 Mb heterozygous deletion in chromosomal region 12q24.31, encompassing 28 protein-coding genes. The present deletion is smaller than previously reported pathogenic deletions in 12q24.31. For multiple affected genes, no disease associations are listed in OMIM. Only DIABLO gen encompassed in the deletion has been associated with an autosomal dominant phenotype: non-syndromic hearing loss, with affected individuals showing hearing impairment in childhood. However, haploinsufficiency is not established as a disease mechanism for DIABLO (pHaplo 0.49). Several other genes within the deletion are associated with autosomal recessive disorders, including: combined oxidative phosphorylation deficiency 7 and spastic paraplegia 55 (OMIM: 613541, C12ORF65; OMIM: 613559, MTRFR); The autosomal dominant hearing loss associated with DIABLO does not correspond to the clinical phenotype observed in the patient.